The following is an entry in ClinVar:

NM_001244926.2(PRPF4):c.904G>A (p.Gly302Ser)

Gene: PRPF4 (pre-mRNA splicing tri-snRNP complex factor PRPF4; plus strand). Cytogenetic location: 9q32.
Variant type: single nucleotide variant.
Coding change: c.904G>A on transcript NM_001244926.2 (MANE Select); coding-DNA position 904, G replaced by A.
Protein change: p.Gly302Ser; replaces glycine 302 with serine.
Molecular consequence: missense variant. On other transcripts: non-coding transcript variant (2).
Genome position (GRCh38, 1-based): chr9:113,286,800, G>A. VCF-style: chr9-113286800-G-A. GRCh37 (hg19) VCF-style: chr9-116049080-G-A.
Other names: c.178G>A, p.Gly60Ser (NM_001322266.2, NM_001322267.2); c.907G>A, p.Gly303Ser (NM_004697.5); short protein forms G302S, G60S, G303S.
Identifiers: ClinVar variation 1926055 (VCV001926055.5), dbSNP rs2490826751, ClinGen allele CA374554198.

ClinVar aggregate classification (germline): Uncertain significance (1 of 4 stars; one submission).

Allele frequency attached by ClinVar (database versions not stated): gnomAD exomes below 0.00001.
gnomAD v4.1: 2 of 1,614,164 alleles (0.00012%); highest among the groups gnomAD compares: Non-Finnish European, 0.00017%; no homozygotes.

Submission:

Labcorp Genetics (formerly Invitae), Labcorp
Classification: Uncertain significance. Last evaluated: 2022-01-23. Review status: criteria provided, single submitter. Criteria: Invitae Variant Classification Sherloc (09022015). Collection method: clinical testing. Allele origin: germline.
Comment: This sequence change replaces glycine, which is neutral and non-polar, with serine, which is neutral and polar, at codon 303 of the PRPF4 protein (p.Gly303Ser). This variant is not present in population databases (gnomAD no frequency). This variant has not been reported in the literature in individuals affected with PRPF4-related conditions. Algorithms developed to predict the effect of missense changes on protein structure and function (SIFT, PolyPhen-2, Align-GVGD) all suggest that this variant is likely to be disruptive. Algorithms developed to predict the effect of sequence changes on RNA splicing suggest that this variant may create or strengthen a splice site. In summary, the available evidence is currently insufficient to determine the role of this variant in disease. Therefore, it has been classified as a Variant of Uncertain Significance.